The following is an entry in ClinVar:

NM_000492.4(CFTR):c.2557A>T (p.Ile853Phe)

Gene: CFTR (CF transmembrane conductance regulator; plus strand). Cytogenetic location: 7q31.2.
Variant type: single nucleotide variant.
Coding change: c.2557A>T on transcript NM_000492.4 (MANE Select); coding-DNA position 2557, A replaced by T.
Protein change: p.Ile853Phe; replaces isoleucine 853 with phenylalanine.
Molecular consequence: missense variant.
Genome position (GRCh38, 1-based): chr7:117,594,996, A>T. VCF-style: chr7-117594996-A-T. GRCh37 (hg19) VCF-style: chr7-117235050-A-T.
Other names: short protein forms I853F.
Identifiers: ClinVar variation 556101 (VCV000556101.16), dbSNP rs780187979, ClinGen allele CA4451223.

ClinVar aggregate classification (germline): Uncertain significance. Review status: criteria provided, multiple submitters, no conflicts (2 of 4 stars). 6 submissions from 6 submitters: Uncertain significance (4). 2 of the submissions do not count toward it. Last evaluated 2025-11-07.

Conditions:
Cystic fibrosis (CF). Also called: MUCOVISCIDOSIS. Identifiers: Orphanet 586, MedGen C0010674, MONDO:0009061, OMIM 219700. Disease mechanism: loss of function.
Hereditary pancreatitis (PCTT). Also called: Hereditary chronic pancreatitis; PRSS1-Related Hereditary Pancreatitis. Identifiers: Orphanet 676, MedGen C0238339, MONDO:0008185, OMIM 167800.
CFTR-related disorder (CFTR-RD). Also called: CFTR-related disorders; CFTR-related condition. Identifiers: MedGen C5924204, MONDO:7770004.

Allele frequency attached by ClinVar (database versions not stated): TOPMed 0.00002.
gnomAD v4.1: 12 of 1,612,898 alleles (0.00074%); highest among the groups gnomAD compares: East Asian, 0.016%; no homozygotes.

Submissions (6):

Women's Health and Genetics/Laboratory Corporation of America, LabCorp
Classification: Uncertain significance. Last evaluated: 2025-11-07. Review status: criteria provided, single submitter. Criteria: LabCorp Variant Classification Summary - May 2015. Collection method: clinical testing. Allele origin: germline.
Comment: Variant summary: CFTR c.2557A>T (p.Ile853Phe) results in a non-conservative amino acid change in the encoded protein sequence. Algorithms developed to predict the effect of missense changes on protein structure and function are either unavailable or do not agree on the potential impact of this missense change. The variant allele was found at a frequency of 4e-06 in 251334 control chromosomes. The available data on variant occurrences in the general population are insufficient to allow any conclusion about variant significance. c.2557A>T has been reported in the literature in individuals affected with Congenital Bilateral Absence Of The Vas Deferens (example, Dayangac_2004, Miko_2021, Havasi_2010). These report(s) do not provide unequivocal conclusions about association of the variant with Congenital Bilateral Absence Of The Vas Deferens/Cystic Fibrosis. To our knowledge, no experimental evidence demonstrating an impact on protein function has been reported. The following publications have been ascertained in the context of this evaluation (PMID: 15070876, 22483971, 34405919, 20100616). ClinVar contains an entry for this variant (Variation ID: 556101). Based on the evidence outlined above, the variant was classified as uncertain significance.

Labcorp Genetics (formerly Invitae), Labcorp
Classification: Uncertain significance for Cystic fibrosis. Last evaluated: 2025-05-27. Review status: criteria provided, single submitter. Criteria: Invitae Variant Classification Sherloc (09022015). Collection method: clinical testing. Allele origin: germline.
Comment: This sequence change replaces isoleucine, which is neutral and non-polar, with phenylalanine, which is neutral and non-polar, at codon 853 of the CFTR protein (p.Ile853Phe). This variant is present in population databases (rs780187979, gnomAD 0.0009%). This missense change has been observed in individual(s) with CFTR-related conditions (PMID: 15070876, 20100616). ClinVar contains an entry for this variant (Variation ID: 556101). Invitae Evidence Modeling of protein sequence and biophysical properties (such as structural, functional, and spatial information, amino acid conservation, physicochemical variation, residue mobility, and thermodynamic stability) indicates that this missense variant is not expected to disrupt CFTR protein function with a negative predictive value of 80%. In summary, the available evidence is currently insufficient to determine the role of this variant in disease. Therefore, it has been classified as a Variant of Uncertain Significance.

Genome-Nilou Lab
Classification: Uncertain significance for Cystic fibrosis. Last evaluated: 2021-07-14. Review status: criteria provided, single submitter. Criteria: ACMG Guidelines, 2015. Collection method: clinical testing. Allele origin: germline. Affected: no.

Sema4
Classification: Uncertain significance for Hereditary pancreatitis. Last evaluated: 2021-04-27. Review status: criteria provided, single submitter. Criteria: Sema4 Curation Guidelines. Collection method: curation. Allele origin: germline.
Comment: The CFTR c.2557A>T (p.I853F) variant has been reported in the literature in several individuals with congenital bilateral absense of the vas deferens (PMID: 15070876, 20100616, 26277102). It was observed in 1/113648 chromosomes of the Non-Finnish European subpopulation in the large and broad cohorts of the Genome Aggregation Database. The variant has been reported in ClinVar (Variation ID 556101). In silico tools suggest the impact of the variant on protein function is inconclusive, though these predictions have not been confirmed by functional studies. The evidence is insufficient to meet ACMG/AMP criteria for classifying the variant as benign or pathogenic. Thus, the clinical significance of this variant is currently uncertain.

Natera, Inc.
Classification: Uncertain significance for CFTR-related disorders. Last evaluated: 2019-12-02. Review status: no assertion criteria provided. Collection method: clinical testing. Allele origin: germline. Not counted in ClinVar's aggregate classification.

Counsyl
Classification: Uncertain significance for Cystic fibrosis. Last evaluated: 2018-01-12. Review status: no assertion criteria provided. Collection method: clinical testing. Allele origin: unknown. Not counted in ClinVar's aggregate classification.

Literature cited by the submitters: PubMed 15070876 (cited by 4 submitters); PubMed 20100616 (cited by 3 submitters); PubMed 22483971 (cited by Women's Health and Genetics/Laboratory Corporation of America, LabCorp); PubMed 34405919 (cited by Women's Health and Genetics/Laboratory Corporation of America, LabCorp); PubMed 26277102 (cited by Sema4).